The following is an entry in ClinVar:

NM_004104.5(FASN):c.4391C>T (p.Pro1464Leu)

Gene: FASN (fatty acid synthase; minus strand). Cytogenetic location: 17q25.3.
Variant type: single nucleotide variant.
Coding change: c.4391C>T on transcript NM_004104.5 (MANE Select); coding-DNA position 4391, C replaced by T.
Protein change: p.Pro1464Leu; replaces proline 1464 with leucine.
Molecular consequence: missense variant.
Genome position (GRCh38, 1-based): chr17:82,085,053, G>A on the plus strand (C>T on the coding strand, the complement: FASN is on the minus strand). VCF-style: chr17-82085053-G-A. GRCh37 (hg19) VCF-style: chr17-80042929-G-A.
Other names: short protein forms P1464L.
Identifiers: ClinVar variation 4730990 (VCV004730990.1).

ClinVar aggregate classification (germline): Uncertain significance (1 of 4 stars; one submission).

Conditions:
Epileptic encephalopathy. Identifiers: MedGen C0543888, HP:0200134.

Submission:

Labcorp Genetics (formerly Invitae), Labcorp
Classification: Uncertain significance for Epileptic encephalopathy. Last evaluated: 2025-11-17. Review status: criteria provided, single submitter. Criteria: Invitae Variant Classification Sherloc (09022015). Collection method: clinical testing. Allele origin: germline.
Comment: This sequence change replaces proline, which is neutral and non-polar, with leucine, which is neutral and non-polar, at codon 1464 of the FASN protein (p.Pro1464Leu). This variant is not present in population databases (gnomAD no frequency). This variant has not been reported in the literature in individuals affected with FASN-related conditions. An algorithm developed to predict the effect of missense changes on protein structure and function (PolyPhen-2) suggests that this variant is likely to be tolerated. In summary, the available evidence is currently insufficient to determine the role of this variant in disease. Therefore, it has been classified as a Variant of Uncertain Significance.